The following is an entry in ClinVar:

ClinVar aggregate classification (germline): Likely benign. Review status: criteria provided, multiple submitters, no conflicts (2 of 4 stars). 2 submissions from 2 submitters: Likely benign (2). Last evaluated 2024-02-17.

Allele frequency attached by ClinVar (database versions not stated): gnomAD 0.00001; gnomAD exomes 0.00001 and 0.00005; TOPMed 0.00004.
gnomAD v4.1: 72 of 1,591,432 alleles (0.0045%); highest among the groups gnomAD compares: Non-Finnish European, 0.0059%; no homozygotes.

Submissions (2):

Labcorp Genetics (formerly Invitae), Labcorp
Classification: Likely benign. Last evaluated: 2024-02-17. Review status: criteria provided, single submitter. Criteria: Invitae Variant Classification Sherloc (09022015). Collection method: clinical testing. Allele origin: germline.

GeneDx
Classification: Likely benign. Last evaluated: 2017-05-03. Review status: criteria provided, single submitter. Criteria: GeneDx Variant Classification (06012015). Collection method: clinical testing. Allele origin: germline. Affected: yes.
Comment: This variant is considered likely benign or benign based on one or more of the following criteria: it is a conservative change, it occurs at a poorly conserved position in the protein, it is predicted to be benign by multiple in silico algorithms, and/or has population frequency not consistent with disease.

NM_017775.4(TTC19):c.240C>G (p.Ala80=)

Genes: TTC19 (tetratricopeptide repeat domain 19; plus strand), LOC130060311 (ATAC-STARR-seq lymphoblastoid silent region 8214; plus strand). Cytogenetic location: 17p12.
Variant type: single nucleotide variant.
Coding change: c.240C>G on transcript NM_017775.4 (MANE Select); coding-DNA position 240, C replaced by G.
Protein change: p.Ala80=; no amino-acid change (alanine 80 retained).
Molecular consequence: synonymous variant. On other transcripts: 5 prime UTR variant (1).
Genome position (GRCh38, 1-based): chr17:16,000,173, C>G. VCF-style: chr17-16000173-C-G. GRCh37 (hg19) VCF-style: chr17-15903487-C-G.
Other names: c.-219C>G (NM_001271420.2).
Identifiers: ClinVar variation 509206 (VCV000509206.9), dbSNP rs759361415, ClinGen allele CA288187889.
Genomic context (GRCh38, chr17:16,000,173, plus strand): 5'-CGCAGCGCTCGCCTGGTTCTCGAGGCCCGCTGCGGCAGAGGAGGAGGAGCAGCAGGGAGC[C>G]GACGGGGCCGCTGCCGAGGACGGGGCGGACGAGGCCGAGGCAGAGATCATCCAGCTGCTG-3'
Protein context (NP_060245.3, residues 70-90): AAAEEEEQQG[Ala80=]DGAAAEDGAD